The following is an entry in ClinVar:

NM_001103146.3(GIGYF2):c.778C>T (p.Arg260Ter)

Gene: GIGYF2 (GRB10 interacting GYF protein 2; plus strand). Cytogenetic location: 2q37.1.
Variant type: single nucleotide variant.
Coding change: c.778C>T on transcript NM_001103146.3 (MANE Select); coding-DNA position 778, C replaced by T.
Protein change: p.Arg260Ter; replaces arginine 260 with a stop codon.
Molecular consequence: nonsense. On other transcripts: non-coding transcript variant (1).
Genome position (GRCh38, 1-based): chr2:232,790,763, C>T. VCF-style: chr2-232790763-C-T. GRCh37 (hg19) VCF-style: chr2-233655473-C-T.
Other names: c.844C>T, p.Arg282Ter (NM_001103147.2); c.760C>T, p.Arg254Ter (NM_001103148.2); c.778C>T, p.Arg260Ter (NM_015575.4); short protein forms R254*, R260*, R282*.
Identifiers: ClinVar variation 4890724 (VCV004890724.1).
Genomic context (GRCh38, chr2:232,790,763, plus strand): 5'-CCTCGTTCTGCAGGCTGGCGGGAACACATGGAACGACGTCGGAGGTTTGAGTTTGATTTT[C>T]GAGATAGAGATGATGAACGGGGTTACCGAAGGGTTCGCTCTGGCAGTGGGAGCATAGATG-3'

ClinVar aggregate classification (germline): Pathogenic (1 of 4 stars; one submission).

Conditions:
GIGYF2-associated neurodevelopmental disorder.

Submission:

Institute of Human Genetics, University of Leipzig Medical Center
Classification: Pathogenic for GIGYF2-associated neurodevelopmental disorder. Last evaluated: 2026-07-27. Review status: criteria provided, single submitter. Criteria: ACMG Guidelines, 2015. Collection method: clinical testing. Allele origin: maternal. Inheritance: Autosomal dominant inheritance. Affected: yes.
Comment: Criteria applied: PVS1,PM2

Literature cited by the submitters: PubMed 42297935.